The following is an entry in ClinVar:

ClinVar aggregate classification (germline): Likely benign. Review status: reviewed by expert panel (3 of 4 stars). 2 submissions from 2 submitters: Likely benign (1). 1 of the submissions does not count toward it. Last evaluated 2017-06-29.

Conditions:
Hereditary breast ovarian cancer syndrome. Also called: Hereditary breast and ovarian cancer syndrome (HBOC); BRCA1- and BRCA2-Associated Hereditary Breast and Ovarian Cancer; Hereditary breast and/or ovarian cancer syndrome; Hereditary breast and ovarian cancer syndrome; Hereditary breast and ovarian cancer; Breast and ovarian cancer. Identifiers: Orphanet 145, MedGen C0677776, MeSH D061325, MONDO:0003582. Disease mechanism: loss of function.
Breast-ovarian cancer, familial, susceptibility to, 1 (BROVCA1). Also called: BRCA1 Hereditary Breast and Ovarian Cancer; OVARIAN CANCER, SUSCEPTIBILITY TO. Identifiers: Orphanet 145, MedGen C2676676, MONDO:0011450, OMIM 604370. Disease mechanism: loss of function.

Allele frequency attached by ClinVar (database versions not stated): gnomAD exomes below 0.00001; ExAC 0.00001.
gnomAD v4.1: 1 of 1,614,056 alleles (0.000062%); highest among the groups gnomAD compares: South Asian, 0.0011%; no homozygotes.

Submissions (2):

Evidence-based Network for the Interpretation of Germline Mutant Alleles (ENIGMA)
Classification: Likely benign for Breast-ovarian cancer, familial, susceptibility to, 1. Last evaluated: 2017-06-29. Review status: reviewed by expert panel. Criteria: ENIGMA BRCA1/2 Classification Criteria (2017-06-29). Collection method: curation. Allele origin: germline.
Comment: Synonymous substitution variant, with low bioinformatic likelihood to result in a splicing aberration (Splicing prior probability 0.02).

Labcorp Genetics (formerly Invitae), Labcorp
Classification: Likely benign for Hereditary breast ovarian cancer syndrome. Last evaluated: 2025-07-20. Review status: criteria provided, single submitter. Criteria: Invitae Variant Classification Sherloc (09022015). Collection method: clinical testing. Allele origin: germline. Not counted in ClinVar's aggregate classification.

NM_007294.4(BRCA1):c.4506A>G (p.Pro1502=)

Gene: BRCA1 (BRCA1 DNA repair associated; minus strand). Cytogenetic location: 17q21.31.
Variant type: single nucleotide variant.
Coding change: c.4506A>G on transcript NM_007294.4 (MANE Select); coding-DNA position 4506, A replaced by G.
Protein change: p.Pro1502=; no amino-acid change (proline 1502 retained).
Molecular consequence: synonymous variant. On other transcripts: intron variant (3).
Genome position (GRCh38, 1-based): chr17:43,074,500, T>C on the plus strand (A>G on the coding strand, the complement: BRCA1 is on the minus strand). VCF-style: chr17-43074500-T-C. GRCh37 (hg19) VCF-style: chr17-41226517-T-C.
Other names: c.4365A>G, p.Pro1455= (NM_001407942.1, NM_007297.4, NM_001407692.1 and 13 more transcripts); c.4362A>G, p.Pro1454= (NM_001407943.1, NM_001407944.1, NM_001407945.1 and 21 more transcripts); c.4173A>G, p.Pro1391= (NM_001407946.1, NM_001407947.1, NM_001407948.1 and 1 more transcripts); c.4170A>G, p.Pro1390= (NM_001407950.1, NM_001407951.1, NM_001407952.1 and 3 more transcripts); c.4167A>G, p.Pro1389= (NM_001407956.1, NM_001407957.1, NM_001407958.1); c.4125A>G, p.Pro1375= (NM_001407959.1); c.4122A>G, p.Pro1374= (NM_001407960.1, NM_001407962.1); c.4119A>G, p.Pro1373= (NM_001407963.1); and 71 more.
Identifiers: ClinVar variation 427295 (VCV000427295.13), dbSNP rs778400777, ClinGen allele CA052447.